The following is an entry in ClinVar:

NM_207361.6(FREM2):c.3629C>T (p.Thr1210Ile)

Gene: FREM2 (FRAS1 related extracellular matrix 2; plus strand). Cytogenetic location: 13q13.3.
Variant type: single nucleotide variant.
Coding change: c.3629C>T on transcript NM_207361.6 (MANE Select); coding-DNA position 3629, C replaced by T.
Protein change: p.Thr1210Ile; replaces threonine 1210 with isoleucine.
Molecular consequence: missense variant.
Genome position (GRCh38, 1-based): chr13:38,690,973, C>T. VCF-style: chr13-38690973-C-T. GRCh37 (hg19) VCF-style: chr13-39265110-C-T.
Other names: short protein forms T1210I.
Identifiers: ClinVar variation 2643772 (VCV002643772.24), dbSNP rs765697990, ClinGen allele CA6954823.

ClinVar aggregate classification (germline): Uncertain significance (1 of 4 stars; one submission).

Allele frequency attached by ClinVar (database versions not stated): TOPMed below 0.00001; ExAC 0.00001; gnomAD 0.00001.
gnomAD v4.1: 5 of 1,613,842 alleles (0.00031%); highest among the groups gnomAD compares: African/African-American, 0.0053%; no homozygotes.

Submission:

CeGaT Center for Human Genetics Tuebingen
Classification: Uncertain significance. Last evaluated: 2023-08-01. Review status: criteria provided, single submitter. Criteria: CeGaT Center For Human Genetics Tuebingen Variant Classification Criteria Version 2. Collection method: clinical testing. Allele origin: germline. Affected: yes. Observed: 1 variant allele.
Comment: FREM2: PM2